The following is an entry in ClinVar:

ClinVar aggregate classification (germline): Uncertain significance (1 of 4 stars; one submission).

Conditions:
Focal segmental glomerulosclerosis 5 (FSGS5). Identifiers: Orphanet 656, MedGen C2750475, MONDO:0013191, OMIM 613237.
Charcot-Marie-Tooth disease dominant intermediate E. Also called: CHARCOT-MARIE-TOOTH NEUROPATHY WITH FOCAL SEGMENTAL GLOMERULONEPHRITIS. Identifiers: Orphanet 93114, MedGen C4302667, MONDO:0013758, OMIM 614455.

gnomAD v4.1: 13 of 1,549,684 alleles (0.00084%); highest among the groups gnomAD compares: Non-Finnish European, 0.0011%; no homozygotes.

Submission:

Labcorp Genetics (formerly Invitae), Labcorp
Classification: Uncertain significance for Charcot-Marie-Tooth disease dominant intermediate E; Focal segmental glomerulosclerosis 5. Last evaluated: 2025-07-02. Review status: criteria provided, single submitter. Criteria: Invitae Variant Classification Sherloc (09022015). Collection method: clinical testing. Allele origin: germline.
Comment: This sequence change replaces valine, which is neutral and non-polar, with leucine, which is neutral and non-polar, at codon 741 of the INF2 protein (p.Val741Leu). This variant is not present in population databases (gnomAD no frequency). This variant has not been reported in the literature in individuals affected with INF2-related conditions. Invitae Evidence Modeling of protein sequence and biophysical properties (such as structural, functional, and spatial information, amino acid conservation, physicochemical variation, residue mobility, and thermodynamic stability) indicates that this missense variant is not expected to disrupt INF2 protein function with a negative predictive value of 95%. In summary, the available evidence is currently insufficient to determine the role of this variant in disease. Therefore, it has been classified as a Variant of Uncertain Significance.

NM_022489.4(INF2):c.2221G>C (p.Val741Leu)

Gene: INF2 (inverted formin 2; plus strand). Cytogenetic location: 14q32.33.
Variant type: single nucleotide variant.
Coding change: c.2221G>C on transcript NM_022489.4 (MANE Select); coding-DNA position 2221, G replaced by C.
Protein change: p.Val741Leu; replaces valine 741 with leucine.
Molecular consequence: missense variant. On other transcripts: non-coding transcript variant (1).
Genome position (GRCh38, 1-based): chr14:104,710,170, G>C. VCF-style: chr14-104710170-G-C. GRCh37 (hg19) VCF-style: chr14-105176507-G-C.
Other names: c.2221G>C, p.Val741Leu (NM_001031714.4, NM_001426862.1, NM_001426863.1 and 2 more transcripts); short protein forms V741L.
Identifiers: ClinVar variation 4791428 (VCV004791428.1).